The following is an entry in ClinVar:

ClinVar aggregate classification (germline): Conflicting classifications of pathogenicity. Review status: criteria provided, conflicting classifications (1 of 4 stars). 4 submissions from 4 submitters: Uncertain significance (1); Likely benign (2). 1 of the submissions does not count toward it. Last evaluated 2024-06-03.

Conditions:
Andersen Tawil syndrome (LQT7). Also called: PERIODIC PARALYSIS, POTASSIUM-SENSITIVE CARDIODYSRHYTHMIC TYPE; Potassium-sensitive periodic paralysis, ventricular ectopy, and dysmorphic features; LONG QT SYNDROME 7; ANDERSEN CARDIODYSRHYTHMIC PERIODIC PARALYSIS; Andersen Syndrome. Identifiers: Orphanet 37553, MedGen C1563715, MONDO:0008222, OMIM 170390.
Short QT syndrome type 3. Identifiers: Orphanet 51083, MedGen C1865018, MONDO:0012314, OMIM 609622.
Atrial fibrillation, familial, 9 (ATFB9). Identifiers: MedGen C3151431, MONDO:0013513, OMIM 613980.
KCNJ2-related disorder. Also called: KCNJ2-related condition.

Submissions (4):

Fulgent Genetics
Classification: Uncertain significance for Andersen Tawil syndrome; Short QT syndrome type 3; Atrial fibrillation, familial, 9. Last evaluated: 2024-06-03. Review status: criteria provided, single submitter. Criteria: ACMG Guidelines, 2015. Collection method: clinical testing. Allele origin: germline.

Blueprint Genetics
Classification: Likely benign. Last evaluated: 2024-04-16. Review status: criteria provided, single submitter. Criteria: ACMG Guidelines, 2015. Collection method: clinical testing. Allele origin: germline.

GeneDx
Classification: Likely benign. Last evaluated: 2020-02-26. Review status: criteria provided, single submitter. Criteria: GeneDx Variant Classification Process June 2021. Collection method: clinical testing. Allele origin: germline. Affected: yes.

PreventionGenetics, part of Exact Sciences
Classification: Likely benign for KCNJ2-related condition. Last evaluated: 2024-02-01. Review status: no assertion criteria provided. Collection method: clinical testing. Allele origin: germline. Not counted in ClinVar's aggregate classification.
Comment: This variant is classified as likely benign based on ACMG/AMP sequence variant interpretation guidelines (Richards et al. 2015 PMID: 25741868, with internal and published modifications).

NM_000891.3(KCNJ2):c.*10del

Gene: KCNJ2 (potassium inwardly rectifying channel subfamily J member 2; plus strand). Cytogenetic location: 17q24.3.
Variant type: Deletion.
Coding change: c.*10del on transcript NM_000891.3 (MANE Select); 10 bases downstream of the stop codon, one base deleted (T; older notation c.*10delT).
Molecular consequence: 3 prime UTR variant.
Genome position (GRCh38, 1-based): chr17:70,176,333, T deleted; the last of 2 consecutive T bases (chr17:70,176,332-70,176,333); deleting either gives the same sequence. VCF-style (leftmost placement, unchanged base first): chr17-70176331-AT-A. GRCh37 (hg19) VCF-style: chr17-68172472-AT-A.
Other names: c.*10delT (NM_000891.2).
Identifiers: ClinVar variation 1230618 (VCV001230618.7), dbSNP rs750011371, ClinGen allele CA8738821.
Genomic context (GRCh38, chr17:70,176,331, plus strand): 5'-AGGCAAGTGTACCTCTAGAGCCCAGGCCCTTACGGCGAGAGTCGGAGATATGACTGACTG[AT>A]TCCTTCTCTGGAATAGTTACTTTACAACACGGTCTGTTGGTCAGAGGCCCAAAACAGTTA-3'